The following is an entry in ClinVar:

NM_001453.3(FOXC1):c.395T>C (p.Leu132Pro)

Gene: FOXC1 (forkhead box C1; plus strand). Cytogenetic location: 6p25.3.
Variant type: single nucleotide variant.
Coding change: c.395T>C on transcript NM_001453.3 (MANE Select); coding-DNA position 395, T replaced by C.
Protein change: p.Leu132Pro; replaces leucine 132 with proline.
Molecular consequence: missense variant.
Genome position (GRCh38, 1-based): chr6:1,610,840, T>C. VCF-style: chr6-1610840-T-C. GRCh37 (hg19) VCF-style: chr6-1611075-T-C.
Other names: short protein forms L132P.
Identifiers: ClinVar variation 1719546 (VCV001719546.5), dbSNP rs1297782339, ClinGen allele CA362558723.
Genomic context (GRCh38, chr6:1,610,840, plus strand): 5'-TCCCCTTCTACCGGGACAACAAGCAGGGCTGGCAGAACAGCATCCGCCACAACCTCTCGC[T>C]CAACGAGTGCTTCGTCAAGGTGCCGCGCGACGACAAGAAGCCGGGCAAGGGCAGCTACTG-3'
Protein context (NP_001444.2, residues 122-142): WQNSIRHNLS[Leu132Pro]NECFVKVPRD

ClinVar aggregate classification (germline): Uncertain significance (1 of 4 stars; one submission).

Conditions:
Axenfeld-Rieger syndrome type 3 (RIEG3). Also called: AXENFELD-RIEGER ANOMALY WITH CARDIAC DEFECTS AND/OR SENSORINEURAL HEARING LOSS. Identifiers: Orphanet 782, MedGen C2678503, MONDO:0011233, OMIM 602482.

Allele frequency attached by ClinVar (database versions not stated): gnomAD 0.00001.

Submission:

Labcorp Genetics (formerly Invitae), Labcorp
Classification: Uncertain significance for Axenfeld-Rieger syndrome type 3. Last evaluated: 2022-09-15. Review status: criteria provided, single submitter. Criteria: Invitae Variant Classification Sherloc (09022015). Collection method: clinical testing. Allele origin: germline.
Comment: This sequence change replaces leucine, which is neutral and non-polar, with proline, which is neutral and non-polar, at codon 132 of the FOXC1 protein (p.Leu132Pro). The frequency data for this variant in the population databases is considered unreliable, as metrics indicate poor data quality at this position in the gnomAD database. This variant has not been reported in the literature in individuals affected with FOXC1-related conditions. Algorithms developed to predict the effect of missense changes on protein structure and function (SIFT, PolyPhen-2, Align-GVGD) all suggest that this variant is likely to be disruptive. In summary, the available evidence is currently insufficient to determine the role of this variant in disease. Therefore, it has been classified as a Variant of Uncertain Significance.